The following is an entry in ClinVar:

ClinVar aggregate classification (germline): Likely benign. Review status: criteria provided, multiple submitters, no conflicts (2 of 4 stars). 4 submissions from 4 submitters: Likely benign (3). 1 of the submissions does not count toward it. Last evaluated 2025-12-01.

Conditions:
ALG1-congenital disorder of glycosylation. Also called: CDG Ik; CONGENITAL DISORDER OF GLYCOSYLATION, TYPE Ik; ALG1-CDG. Identifiers: Orphanet 79327, MedGen C2931005, MONDO:0012052, OMIM 608540.
ALG1-related disorder. Also called: ALG1-related condition.

Allele frequency attached by ClinVar (database versions not stated): ExAC 0.00006; ESP Exome Variant Server 0.00008; 1000 Genomes Project 30x 0.00016; TOPMed 0.00017; 1000 Genomes Project 0.00020.
gnomAD v4.1: 53 of 1,611,558 alleles (0.0033%); highest among the groups gnomAD compares: African/African-American, 0.056%; 1 homozygote.

Submissions (4):

Labcorp Genetics (formerly Invitae), Labcorp
Classification: Likely benign for ALG1-congenital disorder of glycosylation. Last evaluated: 2025-12-01. Review status: criteria provided, single submitter. Criteria: Invitae Variant Classification Sherloc (09022015). Collection method: clinical testing. Allele origin: germline.

Fulgent Genetics
Classification: Likely benign for ALG1-congenital disorder of glycosylation. Last evaluated: 2021-07-24. Review status: criteria provided, single submitter. Criteria: ACMG Guidelines, 2015. Collection method: clinical testing. Allele origin: unknown.

GeneDx
Classification: Likely benign. Last evaluated: 2018-05-18. Review status: criteria provided, single submitter. Criteria: GeneDx Variant Classification (06012015). Collection method: clinical testing. Allele origin: germline. Affected: yes.
Comment: This variant is considered likely benign or benign based on one or more of the following criteria: it is a conservative change, it occurs at a poorly conserved position in the protein, it is predicted to be benign by multiple in silico algorithms, and/or has population frequency not consistent with disease.

PreventionGenetics, part of Exact Sciences
Classification: Likely benign for ALG1-related condition. Last evaluated: 2024-09-04. Review status: no assertion criteria provided. Collection method: clinical testing. Allele origin: germline. Not counted in ClinVar's aggregate classification.
Comment: This variant is classified as likely benign based on ACMG/AMP sequence variant interpretation guidelines (Richards et al. 2015 PMID: 25741868, with internal and published modifications).

NM_019109.5(ALG1):c.961+8C>G

Gene: ALG1 (ALG1 chitobiosyldiphosphodolichol beta-mannosyltransferase; plus strand). Cytogenetic location: 16p13.3.
Variant type: single nucleotide variant.
Coding change: c.961+8C>G on transcript NM_019109.5 (MANE Select); 8 bases into the intron after coding-DNA position 961, C replaced by G.
Molecular consequence: intron variant.
Genome position (GRCh38, 1-based): chr16:5,079,815, C>G. VCF-style: chr16-5079815-C-G. GRCh37 (hg19) VCF-style: chr16-5129816-C-G.
Other names: c.628+8C>G (NM_001330504.2).
Identifiers: ClinVar variation 682525 (VCV000682525.12), dbSNP rs371353008, ClinGen allele CA7890124.